The following is an entry in ClinVar:

ClinVar aggregate classification (germline): Uncertain significance (1 of 4 stars; one submission).

gnomAD v4.1: 9 of 1,613,156 alleles (0.00056%); highest among the groups gnomAD compares: Admixed American, 0.01%; no homozygotes.

Submission:

Women's Health and Genetics/Laboratory Corporation of America, LabCorp
Classification: Uncertain significance. Last evaluated: 2025-11-12. Review status: criteria provided, single submitter. Criteria: LabCorp Variant Classification Summary - May 2015. Collection method: clinical testing. Allele origin: germline.
Comment: Variant summary: TTN NM_133378 c.67921G>A (p.Glu22641Lys), also known as NM_001267550 c.75625G>A (p.Glu25209Lys), results in a conservative amino acid change located in the A-band of the encoded protein sequence. Algorithms developed to predict the effect of missense changes on protein structure and function are either unavailable or do not agree on the potential impact of this missense change. The variant allele was found at a frequency of 1.2e-05 in 247726 control chromosomes. The available data on variant occurrences in the general population are insufficient to allow any conclusion about variant significance. To our knowledge, no occurrence of c.67921G>A in individuals affected with TTN-related conditions and no experimental evidence demonstrating its impact on protein function have been reported. No submitters have cited clinical-significance assessments for this variant to ClinVar. Based on the evidence outlined above, the variant was classified as uncertain significance.

NM_001267550.2(TTN):c.75625G>A (p.Glu25209Lys)

Genes: TTN (titin; minus strand), TTN-AS1 (TTN antisense RNA 1; plus strand). Cytogenetic location: 2q31.2.
Variant type: single nucleotide variant.
Coding change: c.75625G>A on transcript NM_001267550.2 (MANE Select); coding-DNA position 75625, G replaced by A.
Protein change: p.Glu25209Lys; replaces glutamic acid 25209 with lysine.
Molecular consequence: missense variant.
Genome position (GRCh38, 1-based): chr2:178,570,507, C>T on the plus strand (G>A on the coding strand, the complement: TTN is on the minus strand). VCF-style: chr2-178570507-C-T. GRCh37 (hg19) VCF-style: chr2-179435234-C-T.
Other names: c.70702G>A, p.Glu23568Lys (NM_001256850.1); c.48430G>A, p.Glu16144Lys (NM_003319.4); c.67921G>A, p.Glu22641Lys (NM_133378.4); c.48805G>A, p.Glu16269Lys (NM_133432.3); c.49006G>A, p.Glu16336Lys (NM_133437.4); short protein forms E16144K, E16269K, E16336K, E22641K, E23568K, E25209K.
Identifiers: ClinVar variation 4536773 (VCV004536773.1).